The following is an entry in ClinVar:

ClinVar aggregate classification (germline): Benign/Likely benign. Review status: criteria provided, multiple submitters, no conflicts (2 of 4 stars). 3 submissions from 3 submitters: Benign (1); Likely benign (2). Last evaluated 2026-01-19.

Conditions:
KIAA1549-related disorder. Also called: KIAA1549-related condition.

Allele frequency attached by ClinVar (database versions not stated): gnomAD 0.00011; gnomAD exomes 0.00013 and 0.00069; TOPMed 0.00026; ExAC 0.00061.
gnomAD v4.1: 210 of 1,613,344 alleles (0.013%); highest among the groups gnomAD compares: Admixed American, 0.34%; no homozygotes.

Submissions (3):

Labcorp Genetics (formerly Invitae), Labcorp
Classification: Benign. Last evaluated: 2026-01-19. Review status: criteria provided, single submitter. Criteria: Invitae Variant Classification Sherloc (09022015). Collection method: clinical testing. Allele origin: germline.

PreventionGenetics, part of Exact Sciences
Classification: Likely benign for KIAA1549-related condition. Last evaluated: 2025-09-03. Review status: criteria provided, single submitter. Criteria: ACMG Guidelines, 2015. Collection method: clinical testing. Allele origin: germline.
Comment: This variant is classified as likely benign based on ACMG/AMP sequence variant interpretation guidelines (Richards et al. 2015 PMID: 25741868, with internal and published modifications).

Blueprint Genetics
Classification: Likely benign. Last evaluated: 2022-10-27. Review status: criteria provided, single submitter. Criteria: ACMG Guidelines, 2015. Collection method: clinical testing. Allele origin: germline.

NM_001164665.2(KIAA1549):c.2716A>G (p.Ser906Gly)

Gene: KIAA1549 (KIAA1549; minus strand). Cytogenetic location: 7q34.
Variant type: single nucleotide variant.
Coding change: c.2716A>G on transcript NM_001164665.2 (MANE Select); coding-DNA position 2716, A replaced by G.
Protein change: p.Ser906Gly; replaces serine 906 with glycine.
Molecular consequence: missense variant.
Genome position (GRCh38, 1-based): chr7:138,916,910, T>C on the plus strand (A>G on the coding strand, the complement: KIAA1549 is on the minus strand). VCF-style: chr7-138916910-T-C. GRCh37 (hg19) VCF-style: chr7-138601656-T-C.
Other names: c.2716A>G, p.Ser906Gly (NM_020910.3); short protein forms S906G.
Identifiers: ClinVar variation 734657 (VCV000734657.12), dbSNP rs201853693, ClinGen allele CA4506436.
Genomic context (GRCh38, chr7:138,916,910, plus strand): 5'-CAGTCACGGGACGCAGGGATGGCAGGGGAGGAGCAGCACTACTCTCTGGGGGGCTCTGAC[T>C]TGCGGCGTCACCCATCAGGGTGGAGTCGAGGGGACCACCAGTGGCAGCACCGGTGCTGGT-3'
Protein context (NP_001158137.1, residues 896-916): LDSTLMGDAA[Ser906Gly]QSPPESSAAP